The following is an entry in ClinVar:

ClinVar aggregate classification (germline): Likely pathogenic. Review status: criteria provided, multiple submitters, no conflicts (2 of 4 stars). 3 submissions from 3 submitters: Likely pathogenic (3). Last evaluated 2025-10-17.

Conditions:
Dilated cardiomyopathy 1G (CMD1G). Identifiers: Orphanet 154, MedGen C1858763, MONDO:0011400, OMIM 604145.
Autosomal recessive limb-girdle muscular dystrophy type 2J (LGMDR10). Also called: MUSCULAR DYSTROPHY, LIMB-GIRDLE, AUTOSOMAL RECESSIVE 10; Limb-girdle muscular dystrophy, type 2J. Identifiers: Orphanet 140922, MedGen C1837342, MONDO:0012127, OMIM 608807.

Allele frequency attached by ClinVar (database versions not stated): gnomAD exomes below 0.00001.
gnomAD v4.1: 1 of 1,613,658 alleles (0.000062%); highest among the groups gnomAD compares: South Asian, 0.0011%; no homozygotes.

Submissions (3):

Labcorp Genetics (formerly Invitae), Labcorp
Classification: Likely pathogenic for Dilated cardiomyopathy 1G; Autosomal recessive limb-girdle muscular dystrophy type 2J. Last evaluated: 2025-10-17. Review status: criteria provided, single submitter. Criteria: Invitae Variant Classification Sherloc (09022015). Collection method: clinical testing. Allele origin: germline.
Comment: This sequence change creates a premature translational stop signal (p.Trp28299*) in the TTN gene. While this is not anticipated to result in nonsense mediated decay, it is expected to create a truncated TTN protein. This variant is not present in population databases (gnomAD no frequency). This variant has not been reported in the literature in individuals affected with TTN-related conditions. ClinVar contains an entry for this variant (Variation ID: 202419). This variant is located in the A band of TTN (PMID: 25589632). Truncating variants in this region are significantly overrepresented in patients affected with dilated cardiomyopathy (PMID: 25589632). Truncating variants in this region have also been reported in individuals affected with autosomal recessive centronuclear myopathy (PMID: 23975875). In summary, the currently available evidence indicates that the variant is pathogenic, but additional data are needed to prove that conclusively. Therefore, this variant has been classified as Likely Pathogenic.

Revvity Omics, Revvity
Classification: Likely pathogenic. Last evaluated: 2023-06-15. Review status: criteria provided, single submitter. Criteria: ACMG Guidelines, 2015. Collection method: clinical testing. Allele origin: germline.

GeneDx
Classification: Likely pathogenic. Last evaluated: 2020-05-06. Review status: criteria provided, single submitter. Criteria: GeneDx Variant Classification Process June 2021. Collection method: clinical testing. Allele origin: germline. Affected: yes.
Comment: Has not been previously published as pathogenic or benign to our knowledge; Not observed in large population cohorts (Lek et al., 2016); Nonsense variant predicted to result in protein truncation or nonsense mediated decay in a gene for which loss-of-function is a known mechanism of disease; Located in the A-band region of titin, where the majority of truncating pathogenic variants associated with DCM have been reported (Herman et al., 2012).

Literature cited by the submitters: PubMed 25589632 (cited by Labcorp Genetics (formerly Invitae), Labcorp); PubMed 23975875 (cited by Labcorp Genetics (formerly Invitae), Labcorp).

NM_001267550.2(TTN):c.84897G>A (p.Trp28299Ter)

Genes: TTN (titin; minus strand), TTN-AS1 (TTN antisense RNA 1; plus strand). Cytogenetic location: 2q31.2.
Variant type: single nucleotide variant.
Coding change: c.84897G>A on transcript NM_001267550.2 (MANE Select); coding-DNA position 84897, G replaced by A.
Protein change: p.Trp28299Ter; replaces tryptophan 28299 with a stop codon.
Molecular consequence: nonsense.
Genome position (GRCh38, 1-based): chr2:178,561,235, C>T on the plus strand (G>A on the coding strand, the complement: TTN is on the minus strand). VCF-style: chr2-178561235-C-T. GRCh37 (hg19) VCF-style: chr2-179425962-C-T.
Other names: p.W26658*:TGG>TGA; c.79974G>A, p.Trp26658Ter (NM_001256850.1); c.57702G>A, p.Trp19234Ter (NM_003319.4); c.77193G>A, p.Trp25731Ter (NM_133378.4); c.58077G>A, p.Trp19359Ter (NM_133432.3); c.58278G>A, p.Trp19426Ter (NM_133437.4); short protein forms W26658*, W28299*, W19234*, W19359*, W25731*, W19426*.
Identifiers: ClinVar variation 202419 (VCV000202419.10), dbSNP rs794729296, ClinGen allele CA309352.